The following is an entry in ClinVar:

ClinVar aggregate classification (germline): Pathogenic (1 of 4 stars; one submission).

Conditions:
ZTTK syndrome (ZTTKS). Also called: ZTTK MULTIPLE CONGENITAL ANOMALIES-MENTAL RETARDATION SYNDROME; Zhu-Tokita-Takenouchi-Kim Syndrome. Identifiers: Orphanet 500150, MedGen C4310696, MONDO:0014936, OMIM 617140.

Submission:

Greenwood Genetic Center Diagnostic Laboratories, Greenwood Genetic Center
Classification: Pathogenic for ZTTK syndrome. Last evaluated: 2023-01-25. Review status: criteria provided, single submitter. Criteria: ACMG Guidelines, 2015. Collection method: clinical testing. Allele origin: germline. Affected: yes.
Comment: PS2, PP3_Strong

NM_138927.4(SON):c.6321+1del

Gene: SON (SON DNA and RNA binding protein; plus strand). Cytogenetic location: 21q22.11.
Variant type: Deletion.
Coding change: c.6321+1del on transcript NM_138927.4 (MANE Select); the canonical splice donor site of the intron after coding-DNA position 6321, one base deleted (G; older notation c.6321+1delG).
Molecular consequence: splice donor variant.
Genome position (GRCh38, 1-based): chr21:33,557,317, G deleted; the last of 2 consecutive G bases (chr21:33,557,316-33,557,317); deleting either gives the same sequence. VCF-style (leftmost placement, unchanged base first): chr21-33557315-AG-A. GRCh37 (hg19) VCF-style: chr21-34929621-AG-A.
Other names: c.405+1del (NM_001291412.3); c.6321+1del (NM_032195.3, NM_001291411.2).
Identifiers: ClinVar variation 2505239 (VCV002505239.1), dbSNP rs2517403206, ClinGen allele CA2580616380.
Genomic context (GRCh38, chr21:33,557,315, plus strand): 5'-CTACTATAGAAGAGAAAGTTGCTAAAAAGTCAGGAGGAGCTACTATAGAAGAACTAACTG[AG>A]GTAAGCTAGACAGAATTTGTTTTCATTCTTAAATGGATTATTCCAGTGATGTTGACTCTG-3'